The following is an entry in ClinVar:

ClinVar aggregate classification (germline): Uncertain significance (1 of 4 stars; one submission).

Conditions:
Primary ciliary dyskinesia. Also called: Ciliary dyskinesia. Identifiers: Orphanet 244, MedGen C0008780, MONDO:0016575, HP:0012265.

Allele frequency attached by ClinVar (database versions not stated): gnomAD 0.00001; TOPMed 0.00001.
gnomAD v4.1: 1 of 1,606,552 alleles (0.000062%); highest among the groups gnomAD compares: Non-Finnish European, 0.000085%; no homozygotes.

Submission:

Labcorp Genetics (formerly Invitae), Labcorp
Classification: Uncertain significance for Primary ciliary dyskinesia. Last evaluated: 2021-09-02. Review status: criteria provided, single submitter. Criteria: Invitae Variant Classification Sherloc (09022015). Collection method: clinical testing. Allele origin: germline.
Comment: This sequence change replaces arginine with glycine at codon 182 of the DNAAF2 protein (p.Arg182Gly). The arginine residue is moderately conserved and there is a moderate physicochemical difference between arginine and glycine. This variant is not present in population databases (ExAC no frequency). This variant has not been reported in the literature in individuals affected with DNAAF2-related conditions. Algorithms developed to predict the effect of missense changes on protein structure and function are either unavailable or do not agree on the potential impact of this missense change (SIFT: "Deleterious"; PolyPhen-2: "Possibly Damaging"; Align-GVGD: "Class C0"). In summary, the available evidence is currently insufficient to determine the role of this variant in disease. Therefore, it has been classified as a Variant of Uncertain Significance.

NM_018139.3(DNAAF2):c.544C>G (p.Arg182Gly)

Gene: DNAAF2 (dynein axonemal assembly factor 2; minus strand). Cytogenetic location: 14q21.3.
Variant type: single nucleotide variant.
Coding change: c.544C>G on transcript NM_018139.3 (MANE Select); coding-DNA position 544, C replaced by G.
Protein change: p.Arg182Gly; replaces arginine 182 with glycine.
Molecular consequence: missense variant.
Genome position (GRCh38, 1-based): chr14:49,634,606, G>C on the plus strand (C>G on the coding strand, the complement: DNAAF2 is on the minus strand). VCF-style: chr14-49634606-G-C. GRCh37 (hg19) VCF-style: chr14-50101324-G-C.
Other names: c.544C>G, p.Arg182Gly (NM_001083908.2); short protein forms R182G.
Identifiers: ClinVar variation 454913 (VCV000454913.6), dbSNP rs1227265660, ClinGen allele CA389631634.